The following is an entry in ClinVar:

ClinVar aggregate classification (germline): Benign/Likely benign. Review status: criteria provided, multiple submitters, no conflicts (2 of 4 stars). 15 submissions from 15 submitters: Benign (11); Likely benign (1). 3 of the submissions do not count toward it. Last evaluated 2026-02-04.

Conditions:
Inborn genetic diseases. Identifiers: MedGen C0950123, MeSH D030342.
Cohen syndrome (COH1). Also called: PEPPER SYNDROME; Cutis verticis gyrata, retinitis pigmentosa, and sensorineural deafness. Identifiers: Orphanet 193, MedGen C0265223, MONDO:0008999, OMIM 216550.

Allele frequency attached by ClinVar (database versions not stated): gnomAD exomes 0.04432 and 0.04738; ExAC 0.04842; gnomAD 0.06924 and 0.07191; 1000 Genomes Project 0.07049; TOPMed 0.07274; ESP Exome Variant Server 0.07350; 1000 Genomes Project 30x 0.07433.
gnomAD v4.1: 75,412 of 1,613,908 alleles (4.7%); highest among the groups gnomAD compares: African/African-American, 14%; 2,225 homozygotes.

Submissions (15):

Labcorp Genetics (formerly Invitae), Labcorp
Classification: Benign for Cohen syndrome. Last evaluated: 2026-02-04. Review status: criteria provided, single submitter. Criteria: Invitae Variant Classification Sherloc (09022015). Collection method: clinical testing. Allele origin: germline.

Blueprint Genetics
Classification: Likely benign. Last evaluated: 2024-11-27. Review status: criteria provided, single submitter. Criteria: ACMG Guidelines, 2015. Collection method: clinical testing. Allele origin: germline.

Women's Health and Genetics/Laboratory Corporation of America, LabCorp
Classification: Benign. Last evaluated: 2022-12-16. Review status: criteria provided, single submitter. Criteria: LabCorp Variant Classification Summary - May 2015. Collection method: clinical testing. Allele origin: germline.

Mayo Clinic Laboratories, Mayo Clinic
Classification: Benign. Last evaluated: 2018-08-02. Review status: criteria provided, single submitter. Criteria: ACMG Guidelines, 2015. Collection method: clinical testing. Allele origin: germline. Observed: 126 variant alleles.

Illumina Laboratory Services, Illumina
Classification: Benign for Cohen syndrome. Last evaluated: 2018-01-12. Review status: criteria provided, single submitter. Criteria: ICSL Variant Classification Criteria 13 December 2019. Collection method: clinical testing. Allele origin: germline.
Comment: This variant was observed in the ICSL laboratory as part of a predisposition screen in an ostensibly healthy population. It had not been previously curated by ICSL or reported in the Human Gene Mutation Database (HGMD: prior to June 1st, 2018), and was therefore a candidate for classification through an automated scoring system. Utilizing variant allele frequency, disease prevalence and penetrance estimates, and inheritance mode, an automated score was calculated to assess if this variant is too frequent to cause the disease. Based on the score and internal cut-off values, a variant classified as benign is not then subjected to further curation. The score for this variant resulted in a classification of benign for this disease.

Ambry Genetics
Classification: Benign for Inborn genetic diseases. Last evaluated: 2016-05-02. Review status: criteria provided, single submitter. Criteria: Ambry Variant Classification Scheme 2023. Collection method: clinical testing. Allele origin: germline.

Clinical Genetics DNA and cytogenetics Diagnostics Lab, Erasmus MC, Erasmus Medical Center
Classification: Benign for Cohen syndrome. Last evaluated: 2015-09-21. Review status: criteria provided, single submitter. Criteria: ACGS Guidelines, 2013. Collection method: clinical testing. Allele origin: germline. Affected: yes. Study: VKGL Data-share Consensus.

GeneDx
Classification: Benign. Last evaluated: 2015-03-03. Review status: criteria provided, single submitter. Criteria: GeneDx Variant Classification Process June 2021. Collection method: clinical testing. Allele origin: germline. Affected: yes.

Genome Diagnostics Laboratory, University Medical Center Utrecht
Classification: Benign for Cohen syndrome. Last evaluated: 2014-10-10. Review status: criteria provided, single submitter. Criteria: ACGS Guidelines, 2013. Collection method: clinical testing. Allele origin: germline. Affected: yes. Study: VKGL Data-share Consensus.

Eurofins Ntd Llc (ga)
Classification: Benign. Last evaluated: 2012-11-02. Review status: criteria provided, single submitter. Criteria: EGL Classification Definitions 2015. Collection method: clinical testing. Allele origin: germline. Observed: 5 variant alleles, 5 heterozygotes.

Breakthrough Genomics
Classification: Benign. Review status: criteria provided, single submitter. Criteria: ACMG Guidelines, 2015. Collection method: not provided. Allele origin: germline. Inheritance: Autosomal recessive inheritance. Affected: yes.

PreventionGenetics, part of Exact Sciences
Classification: Benign. Review status: criteria provided, single submitter. Criteria: ACMG Guidelines, 2015. Collection method: clinical testing. Allele origin: germline.

Natera, Inc.
Classification: Benign for Cohen syndrome. Last evaluated: 2020-09-16. Review status: no assertion criteria provided. Collection method: clinical testing. Allele origin: germline. Not counted in ClinVar's aggregate classification.

Genetic Services Laboratory, University of Chicago
Classification: Likely benign for AllHighlyPenetrant. Review status: no assertion criteria provided. Collection method: clinical testing. Allele origin: germline. Inheritance: Autosomal recessive inheritance. Not counted in ClinVar's aggregate classification.
Comment: Likely benign based on allele frequency in 1000 Genomes Project or ESP global frequency and its presence in a patient with a rare or unrelated disease phenotype. NOT Sanger confirmed.

Joint Genome Diagnostic Labs from Nijmegen and Maastricht, Radboudumc and MUMC+
Classification: Benign. Review status: no assertion criteria provided. Collection method: clinical testing. Allele origin: germline. Affected: yes. Study: VKGL Data-share Consensus. Not counted in ClinVar's aggregate classification.

NM_152564.5(VPS13B):c.6963A>G (p.Val2321=)

Gene: VPS13B (vacuolar protein sorting 13 homolog B; plus strand). Cytogenetic location: 8q22.2.
Variant type: single nucleotide variant.
Coding change: c.6963A>G on transcript NM_152564.5 (MANE Select); coding-DNA position 6963, A replaced by G.
Protein change: p.Val2321=; no amino-acid change (valine 2321 retained).
Molecular consequence: synonymous variant.
Genome position (GRCh38, 1-based): chr8:99,720,960, A>G. VCF-style: chr8-99720960-A-G. GRCh37 (hg19) VCF-style: chr8-100733188-A-G.
Other names: p.Val2346=; c.7038A>G, p.Val2346= (NM_017890.5).
Identifiers: ClinVar variation 95863 (VCV000095863.37), dbSNP rs61753724, ClinGen allele CA148959.
Genomic context (GRCh38, chr8:99,720,960, plus strand): 5'-TTATAATGAAACTGAAGATTGCCCAGGGATGATGTTATGGAGATATCCAGAACCTAGAGT[A>G]CTCACCCTTGTACGAATAACTCCTGTACCTTTTAACACCACAGAGGATCCAGATATTAGC-3'
Protein context (NP_689777.3, residues 2311-2331): MMLWRYPEPR[Val2321=]LTLVRITPVP